The following is an entry in ClinVar:

ClinVar aggregate classification (germline): Benign/Likely benign. Review status: criteria provided, multiple submitters, no conflicts (2 of 4 stars). 8 submissions from 8 submitters: Benign (1); Likely benign (7). Last evaluated 2025-12-15.

Conditions:
Classic or attenuated familial adenomatous polyposis. Identifiers: MedGen CN372698, MONDO:0021057.
Hereditary cancer-predisposing syndrome. Also called: Tumor predisposition; Neoplastic Syndromes, Hereditary; Hereditary neoplastic syndrome; Hereditary Cancer Syndrome. Identifiers: Orphanet 140162, MedGen C0027672, MeSH D009386, MONDO:0015356.
Familial adenomatous polyposis 1 (FAP1). Also called: FAMILIAL ADENOMATOUS POLYPOSIS 1, ATTENUATED; POLYPOSIS, ADENOMATOUS INTESTINAL. Identifiers: MedGen C2713442, MONDO:0021056, OMIM 175100. Disease mechanism: loss of function.

Allele frequency attached by ClinVar (database versions not stated): gnomAD below 0.00001 and 0.00002; TOPMed below 0.00001; gnomAD exomes 0.00003 and 0.00005; ExAC 0.00006; 1000 Genomes Project 30x 0.00016; 1000 Genomes Project 0.00020.
gnomAD v4.1: 42 of 1,614,206 alleles (0.0026%); highest among the groups gnomAD compares: South Asian, 0.043%; 2 homozygotes.

Submissions (8):

Labcorp Genetics (formerly Invitae), Labcorp
Classification: Likely benign for Familial adenomatous polyposis 1. Last evaluated: 2025-12-15. Review status: criteria provided, single submitter. Criteria: Invitae Variant Classification Sherloc (09022015). Collection method: clinical testing. Allele origin: germline.

Blueprint Genetics
Classification: Likely benign. Last evaluated: 2024-10-18. Review status: criteria provided, single submitter. Criteria: ACMG Guidelines, 2015. Collection method: clinical testing. Allele origin: germline.

All of Us Research Program, National Institutes of Health
Classification: Likely benign for Classic or attenuated familial adenomatous polyposis. Last evaluated: 2024-08-13. Review status: criteria provided, single submitter. Criteria: ACMG Guidelines, 2015. Collection method: clinical testing. Allele origin: germline. Inheritance: Autosomal dominant inheritance. Observed: 7 variant alleles, 7 heterozygotes.
Comment: This study involves interpretation of variants in research participants for the purpose of population health screening. Participant phenotype was not available at the time of variant classification. Additional details can be found in publication PMID: 35346344, PMCID: PMC8962531

Myriad Genetics, Inc.
Classification: Benign for Familial adenomatous polyposis 1. Last evaluated: 2024-03-15. Review status: criteria provided, single submitter. Criteria: Myriad Autosomal Dominant, Autosomal Recessive and X-Linked Classification Criteria (2023). Collection method: clinical testing. Allele origin: unknown.
Comment: This variant is considered benign. This variant is a silent/synonymous amino acid change and it is not expected to impact splicing.

ARUP Laboratories, Molecular Genetics and Genomics, ARUP Laboratories
Classification: Likely benign. Last evaluated: 2017-12-03. Review status: criteria provided, single submitter. Criteria: ARUP Molecular Germline Variant Investigation Process. Collection method: clinical testing. Allele origin: germline.
Comment: The APC c.2739T>C; p.His913His variant is not described in the medical literature or in gene-specific databases. The variant is listed in the ClinVar database (Variation ID: 185738), in the dbSNP variant database (rs553363502), and in the Genome Aggregation Database in 13/245854 alleles. This is a silent variant, the nucleotide at this position is not well conserved across species, and computational algorithms (SpliceSiteFinder-like, MaxEntScan, NNSplice, GeneSplicer, Human Splicing Finder) predict no change to splicing. Considering available information, this variant is classified as likely benign.

GeneDx
Classification: Likely benign. Last evaluated: 2016-05-09. Review status: criteria provided, single submitter. Criteria: GeneDx Variant Classification (06012015). Collection method: clinical testing. Allele origin: germline. Affected: yes.
Comment: This variant is considered likely benign or benign based on one or more of the following criteria: it is a conservative change, it occurs at a poorly conserved position in the protein, it is predicted to be benign by multiple in silico algorithms, and/or has population frequency not consistent with disease.

Color Diagnostics, LLC DBA Color Health
Classification: Likely benign for Hereditary cancer-predisposing syndrome. Last evaluated: 2016-03-30. Review status: criteria provided, single submitter. Criteria: ACMG Guidelines, 2015. Collection method: clinical testing. Allele origin: germline.

Ambry Genetics
Classification: Likely benign for Hereditary cancer-predisposing syndrome. Last evaluated: 2014-07-31. Review status: criteria provided, single submitter. Criteria: Ambry Variant Classification Scheme 2023. Collection method: clinical testing. Allele origin: germline.

NM_000038.6(APC):c.2739T>C (p.His913=)

Gene: APC (APC regulator of Wnt signaling pathway; plus strand). Cytogenetic location: 5q22.2.
Variant type: single nucleotide variant.
Coding change: c.2739T>C on transcript NM_000038.6 (MANE Select); coding-DNA position 2739, T replaced by C.
Protein change: p.His913=; no amino-acid change (histidine 913 retained).
Molecular consequence: synonymous variant.
Genome position (GRCh38, 1-based): chr5:112,838,333, T>C. VCF-style: chr5-112838333-T-C. GRCh37 (hg19) VCF-style: chr5-112174030-T-C.
Other names: c.2739T>C, p.His913= (NM_001127510.3, NM_001354895.2); c.2685T>C, p.His895= (NM_001127511.3); c.2793T>C, p.His931= (NM_001354896.2); c.2769T>C, p.His923= (NM_001354897.2); c.2664T>C, p.His888= (NM_001354898.2); c.2655T>C, p.His885= (NM_001354899.2); c.2616T>C, p.His872= (NM_001354900.2); c.2562T>C, p.His854= (NM_001354901.2); and 5 more.
Identifiers: ClinVar variation 185738 (VCV000185738.28), dbSNP rs553363502, ClinGen allele CA007770.